The following is an entry in ClinVar:

NM_004972.4(JAK2):c.3292A>G (p.Ile1098Val)

Genes: INSL6 (insulin like 6; minus strand), JAK2 (Janus kinase 2; plus strand). Cytogenetic location: 9p24.1.
Variant type: single nucleotide variant.
Coding change: c.3292A>G on transcript NM_004972.4 (MANE Select); coding-DNA position 3292, A replaced by G.
Protein change: p.Ile1098Val; replaces isoleucine 1098 with valine.
Molecular consequence: missense variant. On other transcripts: non-coding transcript variant (2).
Genome position (GRCh38, 1-based): chr9:5,126,684, A>G. VCF-style: chr9-5126684-A-G. GRCh37 (hg19) VCF-style: chr9-5126684-A-G.
Other names: c.3292A>G, p.Ile1098Val (NM_001322194.2, NM_001322195.2, NM_001322196.2); c.2077A>G, p.Ile693Val (NM_001322198.2, NM_001322199.2); c.2845A>G, p.Ile949Val (NM_001322204.2); short protein forms I1098V, I693V, I949V.
Identifiers: ClinVar variation 2956626 (VCV002956626.3), dbSNP rs1824020343, ClinGen allele CA372830496.

ClinVar aggregate classification (germline): Uncertain significance (1 of 4 stars; one submission).

Allele frequency attached by ClinVar (database versions not stated): gnomAD exomes below 0.00001.
gnomAD v4.1: 4 of 1,600,236 alleles (0.00025%); highest among the groups gnomAD compares: South Asian, 0.0033%; no homozygotes.

Submission:

Labcorp Genetics (formerly Invitae), Labcorp
Classification: Uncertain significance. Last evaluated: 2023-08-04. Review status: criteria provided, single submitter. Criteria: Invitae Variant Classification Sherloc (09022015). Collection method: clinical testing. Allele origin: germline.
Comment: This sequence change replaces isoleucine, which is neutral and non-polar, with valine, which is neutral and non-polar, at codon 1098 of the JAK2 protein (p.Ile1098Val). This variant is not present in population databases (gnomAD no frequency). This variant has not been reported in the literature in individuals affected with JAK2-related conditions. An algorithm developed to predict the effect of missense changes on protein structure and function (PolyPhen-2) suggests that this variant is likely to be tolerated. In summary, the available evidence is currently insufficient to determine the role of this variant in disease. Therefore, it has been classified as a Variant of Uncertain Significance.